The following continues an entry in ClinVar:

NM_020975.6(RET):c.1900T>G (p.Cys634Gly)

Gene: RET. ClinVar aggregate classification (germline): Pathogenic. Pathogenic (10).

Submissions 9 to 12 of 12:

ARUP Laboratories, Molecular Genetics and Genomics, ARUP Laboratories
Classification: Pathogenic. Last evaluated: 2018-01-03. Review status: criteria provided, single submitter. Criteria: ARUP Molecular Germline Variant Investigation Process. Collection method: clinical testing. Allele origin: germline.
Comment: The RET c.1900T>G;p.Cys634Gly variant (rs75076352) has been published in multiple individuals and families with multiple endocrine neoplasia type 2 (MEN2) and familial medullary thyroid carcinoma (FMTC) and at least one individual with pheochromocytoma (American Thyroid Association Guidelines Task Force 2009, Hedayati 2011, Neumann 2002, Wells 2015). The variant is listed in the ClinVar database (Variation ID: 13908), but is not listed in the Genome Aggregation Database. The cysteine at codon 634 is conserved across a variety of species and computational programs (PolyPhen2, SIFT) predict this variant is deleterious to protein function. Considering available information, this variant is classified as pathogenic. References: American Thyroid Association Guidelines Task Force. Medullary thyroid cancer: management guidelines of the American Thyroid Association. Thyroid. 2009 19(6):565-612. Hedayati M et al. Predominant RET Germline Mutations in Exons 10, 11, and 16 in Iranian Patients with Hereditary Medullary Thyroid Carcinoma. J Thyroid Res. 2011:264248. Neumann HP et al. Germ-line mutations in nonsyndromic pheochromocytoma. N Engl J Med. 2002 346(19):1459-66. Wells SA Jr et al. Revised American Thyroid Association guidelines for the management of medullary thyroid carcinoma. Thyroid. 2015 Jun;25(6):567-610.

Clinical Genetics and Genomics, Karolinska University Hospital
Classification: Pathogenic. Last evaluated: 2016-04-15. Review status: criteria provided, single submitter. Criteria: ACMG Guidelines, 2015. Collection method: clinical testing. Allele origin: germline. Affected: yes. Observed: 10 variant alleles.

OMIM
Classification: Pathogenic for MULTIPLE ENDOCRINE NEOPLASIA, TYPE IIA. Last evaluated: 2002-05-09. Review status: no assertion criteria provided. Collection method: literature only. Allele origin: germline. Not counted in ClinVar's aggregate classification.

OMIM
Classification: Pathogenic for PHEOCHROMOCYTOMA. Last evaluated: 2002-05-09. Review status: no assertion criteria provided. Collection method: literature only. Allele origin: germline. Not counted in ClinVar's aggregate classification.

Literature cited by the submitters: PubMed 37529773 (cited by Center for Genomic Medicine, Rigshospitalet, Copenhagen University Hospital); PubMed 36900098 (cited by Center for Genomic Medicine, Rigshospitalet, Copenhagen University Hospital and OMIM); PubMed 25810047 (cited by Center for Genomic Medicine, Rigshospitalet, Copenhagen University Hospital and Ambry Genetics); PubMed 8099202 (cited by 5 submitters); PubMed 9111993 (cited by 4 submitters); PubMed 9950371 (cited by Labcorp Genetics (formerly Invitae), Labcorp and Athena Diagnostics); PubMed 12000816 (cited by 5 submitters); PubMed 12150334 (cited by 4 submitters); PubMed 19201392 (cited by 4 submitters); PubMed 21765987 (cited by 4 submitters); PubMed 26230854 (cited by Labcorp Genetics (formerly Invitae), Labcorp); PubMed 26356818 (cited by Labcorp Genetics (formerly Invitae), Labcorp); PubMed 7824936 (cited by Labcorp Genetics (formerly Invitae), Labcorp); PubMed 8103403 (cited by Labcorp Genetics (formerly Invitae), Labcorp); PubMed 8918855 (cited by Labcorp Genetics (formerly Invitae), Labcorp and Ambry Genetics); PubMed 11939755 (cited by Labcorp Genetics (formerly Invitae), Labcorp); PubMed 16865647 (cited by Labcorp Genetics (formerly Invitae), Labcorp); PubMed 21810974 (cited by Labcorp Genetics (formerly Invitae), Labcorp); PubMed 24331334 (cited by Labcorp Genetics (formerly Invitae), Labcorp); PubMed 24716929 (cited by Labcorp Genetics (formerly Invitae), Labcorp); PubMed 26678667 (cited by Labcorp Genetics (formerly Invitae), Labcorp); PubMed 16314641 (cited by 3 submitters); PubMed 19469690 (cited by Ambry Genetics); PubMed 26920351 (cited by Ambry Genetics); PubMed 29026273 (cited by Ambry Genetics); PubMed 7595170 (cited by Ambry Genetics); PubMed 7835899 (cited by Ambry Genetics); PubMed 7907913 (cited by 4 submitters); PubMed 7915166 (cited by Ambry Genetics and Athena Diagnostics); PubMed 8797874 (cited by Women's Health and Genetics/Laboratory Corporation of America, LabCorp and Athena Diagnostics); PubMed 9230192 (cited by Women's Health and Genetics/Laboratory Corporation of America, LabCorp and Athena Diagnostics); PubMed 11238493 (cited by Women's Health and Genetics/Laboratory Corporation of America, LabCorp and Athena Diagnostics); PubMed 16865646 (cited by Women's Health and Genetics/Laboratory Corporation of America, LabCorp); PubMed 16849421 (cited by Women's Health and Genetics/Laboratory Corporation of America, LabCorp); PubMed 16868135 (cited by Women's Health and Genetics/Laboratory Corporation of America, LabCorp and Athena Diagnostics); PubMed 17384210 (cited by Women's Health and Genetics/Laboratory Corporation of America, LabCorp); PubMed 16532227 (cited by Women's Health and Genetics/Laboratory Corporation of America, LabCorp); PubMed 18063059 (cited by Women's Health and Genetics/Laboratory Corporation of America, LabCorp and Athena Diagnostics); PubMed 17704047 (cited by Women's Health and Genetics/Laboratory Corporation of America, LabCorp); PubMed 17605401 (cited by Women's Health and Genetics/Laboratory Corporation of America, LabCorp); PubMed 30763276 (cited by Women's Health and Genetics/Laboratory Corporation of America, LabCorp); PubMed 29420094 (cited by Women's Health and Genetics/Laboratory Corporation of America, LabCorp); PubMed 30392857 (cited by Athena Diagnostics); PubMed 18062802 (cited by Athena Diagnostics); PubMed 9467562 (cited by Athena Diagnostics); PubMed 20516206 (cited by Athena Diagnostics); PubMed 29549836 (cited by Athena Diagnostics); PubMed 3078962 (cited by OMIM); Robinson, M. F., Cote, G. J., Nunziata, V., Brandi, M. L., Ferrer, J. P., Martins Bugalho, M. J. G., Almeida Ruas, M. M., Chik, C., Colantuoni, V., Gagel, R. F. Mutation of a specific codon of the RET proto-oncogene in the multiple endocrine neoplasia type 2A/cutaneous lichen amyloidosis syndrome. (Abstract) Fifth International Workshop on Multiple Endocrine Neoplasia, Stockholm, Archipelago 1994. (cited by OMIM); PubMed 7536460 (cited by OMIM).